The following is an entry in ClinVar:

NM_000492.4(CFTR):c.2342A>C (p.Gln781Pro)

Gene: CFTR (CF transmembrane conductance regulator; plus strand). Cytogenetic location: 7q31.2.
Variant type: single nucleotide variant.
Coding change: c.2342A>C on transcript NM_000492.4 (MANE Select); coding-DNA position 2342, A replaced by C.
Protein change: p.Gln781Pro; replaces glutamine 781 with proline.
Molecular consequence: missense variant.
Genome position (GRCh38, 1-based): chr7:117,592,509, A>C. VCF-style: chr7-117592509-A-C. GRCh37 (hg19) VCF-style: chr7-117232563-A-C.
Other names: short protein forms Q781P.
Identifiers: ClinVar variation 4647362 (VCV004647362.1).
Genomic context (GRCh38, chr7:117,592,509, plus strand): 5'-TTCAGGCACGAAGGAGGCAGTCTGTCCTGAACCTGATGACACACTCAGTTAACCAAGGTC[A>C]GAACATTCACCGAAAGACAACAGCATCCACACGAAAAGTGTCACTGGCCCCTCAGGCAAA-3'
Protein context (NP_000483.3, residues 771-791): NLMTHSVNQG[Gln781Pro]NIHRKTTAST

ClinVar aggregate classification (germline): Uncertain significance (1 of 4 stars; one submission).

Conditions:
Cystic fibrosis (CF). Also called: MUCOVISCIDOSIS. Identifiers: Orphanet 586, MedGen C0010674, MONDO:0009061, OMIM 219700. Disease mechanism: loss of function.

Submission:

Ambry Genetics
Classification: Uncertain significance for Cystic fibrosis. Last evaluated: 2025-10-03. Review status: criteria provided, single submitter. Criteria: Ambry Variant Classification Scheme 2023. Collection method: clinical testing. Allele origin: germline.
Comment: The p.Q781P variant (also known as c.2342A>C), located in coding exon 14 of the CFTR gene, results from an A to C substitution at nucleotide position 2342. The glutamine at codon 781 is replaced by proline, an amino acid with similar properties. This amino acid position is conserved. In addition, the in silico prediction for this alteration is inconclusive. Based on the available evidence, the clinical significance of this variant remains unclear.